The following is an entry in ClinVar:

ClinVar aggregate classification (germline): Uncertain significance (1 of 4 stars; one submission).

Conditions:
Mowat-Wilson syndrome (MOWS). Also called: Classic Mowat-Wilson Syndrome. Identifiers: Orphanet 2152, MedGen C1856113, MONDO:0009341, OMIM 235730.

Submission:

Labcorp Genetics (formerly Invitae), Labcorp
Classification: Uncertain significance for Mowat-Wilson syndrome. Last evaluated: 2023-05-22. Review status: criteria provided, single submitter. Criteria: Invitae Variant Classification Sherloc (09022015). Collection method: clinical testing. Allele origin: germline.
Comment: This sequence change affects codon 269 of the ZEB2 mRNA. It is a 'silent' change, meaning that it does not change the encoded amino acid sequence of the ZEB2 protein. This variant also falls at the last nucleotide of exon 6, which is part of the consensus splice site for this exon. This variant is not present in population databases (gnomAD no frequency). This variant has not been reported in the literature in individuals affected with ZEB2-related conditions. ClinVar contains an entry for this variant (Variation ID: 1467856). Variants that disrupt the consensus splice site are a relatively common cause of aberrant splicing (PMID: 17576681, 9536098). Algorithms developed to predict the effect of sequence changes on RNA splicing suggest that this variant may disrupt the consensus splice site. In summary, the available evidence is currently insufficient to determine the role of this variant in disease. Therefore, it has been classified as a Variant of Uncertain Significance.

Literature cited by the submitters: PubMed 17576681; PubMed 9536098.

NM_014795.4(ZEB2):c.807G>A (p.Gln269=)

Gene: ZEB2 (zinc finger E-box binding homeobox 2; minus strand). Cytogenetic location: 2q22.3.
Variant type: single nucleotide variant.
Coding change: c.807G>A on transcript NM_014795.4 (MANE Select); coding-DNA position 807, G replaced by A.
Protein change: p.Gln269=; no amino-acid change (glutamine 269 retained).
Molecular consequence: synonymous variant.
Genome position (GRCh38, 1-based): chr2:144,403,916, C>T on the plus strand (G>A on the coding strand, the complement: ZEB2 is on the minus strand). VCF-style: chr2-144403916-C-T. GRCh37 (hg19) VCF-style: chr2-145161483-C-T.
Other names: c.735G>A, p.Gln245= (NM_001171653.2).
Identifiers: ClinVar variation 1467856 (VCV001467856.6), dbSNP rs2149879132, ClinGen allele CA429218423.